The following is an entry in ClinVar:

NM_001999.4(FBN2):c.1053C>T (p.Thr351=)

Gene: FBN2 (fibrillin 2; minus strand). Cytogenetic location: 5q23.3.
Variant type: single nucleotide variant.
Coding change: c.1053C>T on transcript NM_001999.4 (MANE Select); coding-DNA position 1053, C replaced by T.
Protein change: p.Thr351=; no amino-acid change (threonine 351 retained).
Molecular consequence: synonymous variant.
Genome position (GRCh38, 1-based): chr5:128,408,699, G>A on the plus strand (C>T on the coding strand, the complement: FBN2 is on the minus strand). VCF-style: chr5-128408699-G-A. GRCh37 (hg19) VCF-style: chr5-127744392-G-A.
Identifiers: ClinVar variation 510900 (VCV000510900.12), dbSNP rs1554067080, ClinGen allele CA446306430.

ClinVar aggregate classification (germline): Likely benign. Review status: criteria provided, multiple submitters, no conflicts (2 of 4 stars). 3 submissions from 3 submitters: Likely benign (3). Last evaluated 2024-09-08.

Conditions:
Congenital contractural arachnodactyly (CCA). Also called: BEALS SYNDROME; Arthrogryposis, distal, type 9; Beals-Hecht syndrome. Identifiers: Orphanet 115, MedGen C0220668, MONDO:0007363, OMIM 121050.
Familial thoracic aortic aneurysm and aortic dissection (TAAD). Also called: Thoracic aortic aneurysms and dissections. Identifiers: Orphanet 91387, MedGen C4707243, MONDO:0019625.

Allele frequency attached by ClinVar (database versions not stated): gnomAD exomes below 0.00001.
gnomAD v4.1: 6 of 1,613,980 alleles (0.00037%); highest among the groups gnomAD compares: Non-Finnish European, 0.00042%; no homozygotes.

Submissions (3):

Ambry Genetics
Classification: Likely benign for Familial thoracic aortic aneurysm and aortic dissection. Last evaluated: 2024-09-08. Review status: criteria provided, single submitter. Criteria: Ambry Variant Classification Scheme 2023. Collection method: clinical testing. Allele origin: germline.

Labcorp Genetics (formerly Invitae), Labcorp
Classification: Likely benign for Congenital contractural arachnodactyly. Last evaluated: 2018-05-13. Review status: criteria provided, single submitter. Criteria: Invitae Variant Classification Sherloc (09022015). Collection method: clinical testing. Allele origin: germline.

GeneDx
Classification: Likely benign. Last evaluated: 2017-07-20. Review status: criteria provided, single submitter. Criteria: GeneDx Variant Classification (06012015). Collection method: clinical testing. Allele origin: germline. Affected: yes.
Comment: This variant is considered likely benign or benign based on one or more of the following criteria: it is a conservative change, it occurs at a poorly conserved position in the protein, it is predicted to be benign by multiple in silico algorithms, and/or has population frequency not consistent with disease.